The following is an entry in ClinVar:

NM_007214.5(SEC63):c.599_600del (p.Phe200fs)

Gene: SEC63 (SEC63 protein translocation regulator; minus strand). Cytogenetic location: 6q21.
Variant type: Deletion.
Coding change: c.599_600del on transcript NM_007214.5 (MANE Select); coding-DNA positions 599 to 600, 2 bases deleted (TT; older notation c.599_600delTT).
Protein change: p.Phe200fs; shifts the reading frame from phenylalanine 200.
Molecular consequence: frameshift variant.
Genome position (GRCh38, 1-based): chr6:107,911,370-107,911,371, AA deleted on the plus strand (TT on the coding strand, the reverse complement: SEC63 is on the minus strand); deleting any 2 consecutive bases within chr6:107,911,370-107,911,372 gives the same sequence; the c. name uses the placement nearest the transcript's 3' end. VCF-style (leftmost placement, unchanged base first): chr6-107911369-TAA-T. GRCh37 (hg19) VCF-style: chr6-108232573-TAA-T.
Other names: short protein forms F200fs.
Identifiers: ClinVar variation 3382138 (VCV003382138.3).

ClinVar aggregate classification (germline): Likely pathogenic (1 of 4 stars; one submission).

Conditions:
Polycystic liver disease 2 (PCLD2). Also called: Polycystic liver disease 2 with or without kidney cysts. Identifiers: Orphanet 2924, MedGen C4310769, MONDO:0014860, OMIM 617004.

Submission:

Juno Genomics, Hangzhou Juno Genomics, Inc
Classification: Likely pathogenic for Polycystic liver disease 2. Review status: criteria provided, single submitter. Criteria: ACMG Guidelines, 2015. Collection method: clinical testing. Allele origin: germline.
Comment: Null variant in a gene where loss of function (LOF) is a known mechanism of disease.;Absent from controls (or at extremely low frequency if recessive) in Genome Aggregation Database.